The following is an entry in ClinVar:

NM_030912.3(TRIM8):c.1520C>T (p.Pro507Leu)

Gene: TRIM8 (tripartite motif containing 8; plus strand). Cytogenetic location: 10q24.32.
Variant type: single nucleotide variant.
Coding change: c.1520C>T on transcript NM_030912.3 (MANE Select); coding-DNA position 1520, C replaced by T.
Protein change: p.Pro507Leu; replaces proline 507 with leucine.
Molecular consequence: missense variant. On other transcripts: non-coding transcript variant (1).
Genome position (GRCh38, 1-based): chr10:102,657,218, C>T. VCF-style: chr10-102657218-C-T. GRCh37 (hg19) VCF-style: chr10-104416975-C-T.
Other names: c.1424C>T, p.Pro475Leu (NM_001345950.1); short protein forms P475L, P507L.
Identifiers: ClinVar variation 1317294 (VCV001317294.2), dbSNP rs2064033726, ClinGen allele CA377932957.

ClinVar aggregate classification (germline): Uncertain significance (1 of 4 stars; one submission).

Allele frequency attached by ClinVar (database versions not stated): gnomAD exomes below 0.00001.
gnomAD v4.1: 1 of 1,614,012 alleles (0.000062%); highest among the groups gnomAD compares: Non-Finnish European, 0.000085%; no homozygotes.

Submission:

GeneDx
Classification: Uncertain significance. Last evaluated: 2019-07-17. Review status: criteria provided, single submitter. Criteria: GeneDx Variant Classification Process June 2021. Collection method: clinical testing. Allele origin: germline. Affected: yes.
Comment: Has not been previously published as pathogenic or benign to our knowledge; Not observed in large population cohorts (Lek et al., 2016); In silico analysis, which includes protein predictors and evolutionary conservation, supports a deleterious effect